The following is an entry in ClinVar:

ClinVar aggregate classification (germline): Uncertain significance (0 of 4 stars; one submission).

Allele frequency attached by ClinVar (database versions not stated): TOPMed below 0.00001.

Submission:

Richard Lifton Laboratory, Yale University School of Medicine
Classification: Uncertain significance. Review status: no assertion criteria provided. Collection method: not provided. Allele origin: somatic.
Comment: TDRD5
ClinVar note: Converted during submission from unknown to Uncertain significance.

NM_001199085.3(TDRD5):c.527T>C (p.Phe176Ser)

Gene: TDRD5 (tudor domain containing 5; plus strand). Cytogenetic location: 1q25.2.
Variant type: single nucleotide variant.
Coding change: c.527T>C on transcript NM_001199085.3 (MANE Select); coding-DNA position 527, T replaced by C.
Protein change: p.Phe176Ser; replaces phenylalanine 176 with serine.
Molecular consequence: missense variant.
Genome position (GRCh38, 1-based): chr1:179,593,754, T>C. VCF-style: chr1-179593754-T-C. GRCh37 (hg19) VCF-style: chr1-179562889-T-C.
Other names: c.527T>C, p.Phe176Ser (NM_001199089.3, NM_001199091.2, NM_001349923.1 and 1 more transcripts); short protein forms F176S.
Identifiers: ClinVar variation 92035 (VCV000092035.2), dbSNP rs386352369, ClinGen allele CA232396.